The following is an entry in ClinVar:

ClinVar aggregate classification (germline): Uncertain significance. Review status: criteria provided, multiple submitters, no conflicts (2 of 4 stars). 3 submissions from 3 submitters: Uncertain significance (2). 1 of the submissions does not count toward it. Last evaluated 2025-07-27.

Conditions:
Autosomal dominant Parkinson disease 8. Also called: Parkinson disease 8, susceptibility to; LRRK2-Related Parkinson Disease; Parkinson disease 8. Identifiers: Orphanet 411602, MedGen C1846862, MONDO:0011764, OMIM 607060.

Allele frequency attached by ClinVar (database versions not stated): ESP Exome Variant Server 0.00015; gnomAD 0.00003; gnomAD exomes 0.00005 and 0.00007; TOPMed 0.00004; ExAC 0.00007.
gnomAD v4.1: 107 of 1,613,516 alleles (0.0066%); highest among the groups gnomAD compares: Non-Finnish European, 0.0086%; no homozygotes.

Submissions (3):

Labcorp Genetics (formerly Invitae), Labcorp
Classification: Uncertain significance for Autosomal dominant Parkinson disease 8. Last evaluated: 2025-07-27. Review status: criteria provided, single submitter. Criteria: Invitae Variant Classification Sherloc (09022015). Collection method: clinical testing. Allele origin: germline.
Comment: This sequence change creates a premature translational stop signal (p.Arg772*) in the LRRK2 gene. It is expected to result in an absent or disrupted protein product. However, the current clinical and genetic evidence is not sufficient to establish whether loss-of-function variants in LRRK2 cause disease. This variant is present in population databases (rs376015112, gnomAD 0.01%). This premature translational stop signal has been observed in individual(s) with Parkinson disease (PMID: 26213354, 30039155). ClinVar contains an entry for this variant (Variation ID: 236290). In summary, the available evidence is currently insufficient to determine the role of this variant in disease. Therefore, it has been classified as a Variant of Uncertain Significance.

Women's Health and Genetics/Laboratory Corporation of America, LabCorp
Classification: Uncertain significance. Last evaluated: 2025-03-25. Review status: criteria provided, single submitter. Criteria: LabCorp Variant Classification Summary - May 2015. Collection method: clinical testing. Allele origin: germline.
Comment: Variant summary: LRRK2 c.2314C>T (p.Arg772X) results in a premature termination codon, predicted to cause a truncation of the encoded protein or absence of the protein due to nonsense mediated decay, however current evidence is not sufficient to establish loss of function as a mechanism for disease. The variant allele was found at a frequency of 4.8e-05 in 251092 control chromosomes (gnomAD). This frequency is not significantly higher than estimated for a pathogenic variant in LRRK2 causing Autosomal dominant Parkinson disease 8 (4.8e-05 vs 0.0001), allowing no conclusion about variant significance. c.2314C>T has been reported in the literature in individuals affected with Parkinson disease (Trinh_2015, Blauwendraat_2018). These reports do not provide unequivocal conclusions about association of the variant with Autosomal dominant Parkinson disease 8. To our knowledge, no experimental evidence demonstrating an impact on protein function has been reported. The following publications have been ascertained in the context of this evaluation (PMID: 26213354, 30039155). ClinVar contains an entry for this variant (Variation ID: 236290). Based on the evidence outlined above, the variant was classified as uncertain significance.

GeneReviews
Classification: Uncertain significance for Autosomal dominant Parkinson disease 8. Last evaluated: 2014-12-11. Review status: no assertion criteria provided. Collection method: literature only. Allele origin: germline. Affected: yes. Not counted in ClinVar's aggregate classification.

Literature cited by the submitters: PubMed 26213354 (cited by Labcorp Genetics (formerly Invitae), Labcorp and Women's Health and Genetics/Laboratory Corporation of America, LabCorp); PubMed 30039155 (cited by Labcorp Genetics (formerly Invitae), Labcorp and Women's Health and Genetics/Laboratory Corporation of America, LabCorp).

NM_198578.4(LRRK2):c.2314C>T (p.Arg772Ter)

Gene: LRRK2 (leucine rich repeat kinase 2; plus strand). Cytogenetic location: 12q12.
Variant type: single nucleotide variant.
Coding change: c.2314C>T on transcript NM_198578.4 (MANE Select); coding-DNA position 2314, C replaced by T.
Protein change: p.Arg772Ter; replaces arginine 772 with a stop codon.
Molecular consequence: nonsense.
Genome position (GRCh38, 1-based): chr12:40,283,947, C>T. VCF-style: chr12-40283947-C-T. GRCh37 (hg19) VCF-style: chr12-40677749-C-T.
Other names: short protein forms R772*.
Identifiers: ClinVar variation 236290 (VCV000236290.5), dbSNP rs376015112, ClinGen allele CA6513614.